The following is an entry in ClinVar:

NM_000059.4(BRCA2):c.2873G>A (p.Ser958Asn)

Gene: BRCA2 (BRCA2 DNA repair associated; plus strand). Cytogenetic location: 13q13.1.
Variant type: single nucleotide variant.
Coding change: c.2873G>A on transcript NM_000059.4 (MANE Select); coding-DNA position 2873, G replaced by A.
Protein change: p.Ser958Asn; replaces serine 958 with asparagine.
Molecular consequence: missense variant. On other transcripts: non-coding transcript variant (1), intron variant (2).
Genome position (GRCh38, 1-based): chr13:32,337,228, G>A. VCF-style: chr13-32337228-G-A. GRCh37 (hg19) VCF-style: chr13-32911365-G-A.
Other names: c.2873G>A, p.Ser958Asn (NM_001406719.1, NM_001406720.1); c.1909+3841G>A (NM_001406721.1); c.424+6198G>A (NM_001406722.1); short protein forms S958N.
Identifiers: ClinVar variation 2451483 (VCV002451483.2), dbSNP rs2137490777, ClinGen allele CA387774040.

ClinVar aggregate classification (germline): Uncertain significance (1 of 4 stars; one submission).

Conditions:
Hereditary cancer-predisposing syndrome. Also called: Neoplastic Syndromes, Hereditary; Tumor predisposition; Hereditary neoplastic syndrome; Hereditary Cancer Syndrome. Identifiers: Orphanet 140162, MedGen C0027672, MeSH D009386, MONDO:0015356.

Submission:

Ambry Genetics
Classification: Uncertain significance for Hereditary cancer-predisposing syndrome. Last evaluated: 2022-11-04. Review status: criteria provided, single submitter. Criteria: Ambry Variant Classification Scheme 2023. Collection method: clinical testing. Allele origin: germline.
Comment: The p.S958N variant (also known as c.2873G>A), located in coding exon 10 of the BRCA2 gene, results from a G to A substitution at nucleotide position 2873. The serine at codon 958 is replaced by asparagine, an amino acid with highly similar properties. This amino acid position is conserved. In addition, this alteration is predicted to be tolerated by in silico analysis. Since supporting evidence is limited at this time, the clinical significance of this alteration remains unclear.